The following is an entry in ClinVar:

NM_000751.3(CHRND):c.982_983del (p.Val328fs)

Gene: CHRND (cholinergic receptor nicotinic delta subunit; plus strand). Cytogenetic location: 2q37.1.
Variant type: Microsatellite.
Coding change: c.982_983del on transcript NM_000751.3 (MANE Select); coding-DNA positions 982 to 983, 2 bases deleted (GT; older notation c.982_983delGT).
Protein change: p.Val328fs; shifts the reading frame from valine 328.
Molecular consequence: frameshift variant.
Genome position (GRCh38, 1-based): chr2:232,531,591-232,531,592, GT deleted; deleting any 2 consecutive bases within chr2:232,531,588-232,531,592 gives the same sequence; the c. name uses the placement nearest the transcript's 3' end. VCF-style (leftmost placement, unchanged base first): chr2-232531587-CTG-C. GRCh37 (hg19) VCF-style: chr2-233396297-CTG-C.
Other names: c.937_938del, p.Val313fs (NM_001256657.2); c.400_401del, p.Val134fs (NM_001311195.2); c.679_680del, p.Val227fs (NM_001311196.2); short protein forms V134fs, V227fs, V313fs, V328fs.
Identifiers: ClinVar variation 1709757 (VCV001709757.4), dbSNP rs1691699883, ClinGen allele CA1335311965.

ClinVar aggregate classification (germline): Pathogenic/Likely pathogenic. Review status: criteria provided, multiple submitters, no conflicts (2 of 4 stars). 2 submissions from 2 submitters: Pathogenic (1); Likely pathogenic (1). Last evaluated 2024-02-02.

Conditions:
Lethal multiple pterygium syndrome (LMPS). Identifiers: Orphanet 33108, MedGen C1854678, MONDO:0009668, OMIM 253290.
Congenital myasthenic syndrome 3B (CMS3B). Also called: Myasthenic syndrome, congenital, 3B, fast-channel. Identifiers: Orphanet 590, MedGen C4225371, MONDO:0014584, OMIM 616322.

Submissions (2):

Labcorp Genetics (formerly Invitae), Labcorp
Classification: Pathogenic for Lethal multiple pterygium syndrome. Last evaluated: 2024-02-02. Review status: criteria provided, single submitter. Criteria: Invitae Variant Classification Sherloc (09022015). Collection method: clinical testing. Allele origin: germline.
Comment: This sequence change creates a premature translational stop signal (p.Val328Hisfs*17) in the CHRND gene. It is expected to result in an absent or disrupted protein product. Loss-of-function variants in CHRND are known to be pathogenic (PMID: 11435464, 25264167). This variant is not present in population databases (gnomAD no frequency). This premature translational stop signal has been observed in individual(s) with autosomal recessive congenital myasthenic syndrome (PMID: 23108489). This variant is also known as 919_920del. For these reasons, this variant has been classified as Pathogenic.

MGZ Medical Genetics Center
Classification: Likely pathogenic for Congenital myasthenic syndrome 3B. Last evaluated: 2022-08-19. Review status: criteria provided, single submitter. Criteria: ACMG Guidelines, 2015. Collection method: clinical testing. Allele origin: germline. Affected: yes. Observed: 1 variant allele.
Comment: ACMG criteria applied: PVS1, PM2_SUP

Literature cited by the submitters: PubMed 11435464 (cited by Labcorp Genetics (formerly Invitae), Labcorp); PubMed 25264167 (cited by Labcorp Genetics (formerly Invitae), Labcorp); PubMed 23108489 (cited by Labcorp Genetics (formerly Invitae), Labcorp).